The following is an entry in ClinVar:

ClinVar aggregate classification (germline): Uncertain significance (1 of 4 stars; one submission).

gnomAD v4.1: 1 of 1,614,102 alleles (0.000062%); highest among the groups gnomAD compares: Non-Finnish European, 0.000085%; no homozygotes.

Submission:

Labcorp Genetics (formerly Invitae), Labcorp
Classification: Uncertain significance. Last evaluated: 2022-04-21. Review status: criteria provided, single submitter. Criteria: Invitae Variant Classification Sherloc (09022015). Collection method: clinical testing. Allele origin: germline.
Comment: This variant has not been reported in the literature in individuals affected with IMPG2-related conditions. This sequence change replaces serine, which is neutral and polar, with tyrosine, which is neutral and polar, at codon 547 of the IMPG2 protein (p.Ser547Tyr). This variant is not present in population databases (gnomAD no frequency). Algorithms developed to predict the effect of missense changes on protein structure and function are either unavailable or do not agree on the potential impact of this missense change (SIFT: "Deleterious"; PolyPhen-2: "Benign"; Align-GVGD: "Class C15"). In summary, the available evidence is currently insufficient to determine the role of this variant in disease. Therefore, it has been classified as a Variant of Uncertain Significance.

NM_016247.4(IMPG2):c.1640C>A (p.Ser547Tyr)

Gene: IMPG2 (interphotoreceptor matrix proteoglycan 2; minus strand). Cytogenetic location: 3q12.3.
Variant type: single nucleotide variant.
Coding change: c.1640C>A on transcript NM_016247.4 (MANE Select); coding-DNA position 1640, C replaced by A.
Protein change: p.Ser547Tyr; replaces serine 547 with tyrosine.
Molecular consequence: missense variant.
Genome position (GRCh38, 1-based): chr3:101,244,691, G>T on the plus strand (C>A on the coding strand, the complement: IMPG2 is on the minus strand). VCF-style: chr3-101244691-G-T. GRCh37 (hg19) VCF-style: chr3-100963535-G-T.
Other names: short protein forms S547Y.
Identifiers: ClinVar variation 2129016 (VCV002129016.4), dbSNP rs2508945398, ClinGen allele CA353860434.